The following is an entry in ClinVar:

ClinVar aggregate classification (germline): Conflicting classifications of pathogenicity. Review status: criteria provided, conflicting classifications (1 of 4 stars). 2 submissions from 2 submitters: Uncertain significance (1); Likely benign (1). Last evaluated 2024-12-02.

Conditions:
Tumor predisposition syndrome 3 (TPDS3). Also called: Melanoma, cutaneous malignant, susceptibility to, 10; Glioma susceptibility 9; LONG TELOMERE SYNDROME, POT1-RELATED; POT1 Tumor Predisposition. Identifiers: Orphanet 618, MedGen C4014476, MONDO:0014368, OMIM 615848.
Hereditary cancer-predisposing syndrome. Also called: Hereditary Cancer Syndrome; Hereditary neoplastic syndrome; Neoplastic Syndromes, Hereditary; Tumor predisposition. Identifiers: Orphanet 140162, MedGen C0027672, MeSH D009386, MONDO:0015356.

Allele frequency attached by ClinVar (database versions not stated): TOPMed below 0.00001.

Submissions (2):

Ambry Genetics
Classification: Likely benign for Hereditary cancer-predisposing syndrome. Last evaluated: 2024-12-02. Review status: criteria provided, single submitter. Criteria: Ambry Variant Classification Scheme 2023. Collection method: clinical testing. Allele origin: germline.

Labcorp Genetics (formerly Invitae), Labcorp
Classification: Uncertain significance for Tumor predisposition syndrome 3. Last evaluated: 2024-11-05. Review status: criteria provided, single submitter. Criteria: Invitae Variant Classification Sherloc (09022015). Collection method: clinical testing. Allele origin: germline.
Comment: This sequence change replaces glutamic acid, which is acidic and polar, with lysine, which is basic and polar, at codon 450 of the POT1 protein (p.Glu450Lys). This variant is not present in population databases (gnomAD no frequency). This variant has not been reported in the literature in individuals affected with POT1-related conditions. ClinVar contains an entry for this variant (Variation ID: 1770526). Invitae Evidence Modeling of protein sequence and biophysical properties (such as structural, functional, and spatial information, amino acid conservation, physicochemical variation, residue mobility, and thermodynamic stability) indicates that this missense variant is not expected to disrupt POT1 protein function with a negative predictive value of 80%. In summary, the available evidence is currently insufficient to determine the role of this variant in disease. Therefore, it has been classified as a Variant of Uncertain Significance.

NM_015450.3(POT1):c.1348G>A (p.Glu450Lys)

Gene: POT1 (protection of telomeres 1; minus strand). Cytogenetic location: 7q31.33.
Variant type: single nucleotide variant.
Coding change: c.1348G>A on transcript NM_015450.3 (MANE Select); coding-DNA position 1348, G replaced by A.
Protein change: p.Glu450Lys; replaces glutamic acid 450 with lysine.
Molecular consequence: missense variant. On other transcripts: non-coding transcript variant (3).
Genome position (GRCh38, 1-based): chr7:124,840,994, C>T on the plus strand (G>A on the coding strand, the complement: POT1 is on the minus strand). VCF-style: chr7-124840994-C-T. GRCh37 (hg19) VCF-style: chr7-124481048-C-T.
Other names: c.955G>A, p.Glu319Lys (NM_001042594.2); short protein forms E450K, E319K.
Identifiers: ClinVar variation 1770526 (VCV001770526.8), dbSNP rs797045169, ClinGen allele CA369066688.
Genomic context (GRCh38, chr7:124,840,994, plus strand): 5'-AAGGAGTATTCTAACAAAACAGTGACTTAAATATCTTACCTTCTATCAAAAGTAGACATT[C>T]ATTTGAAAGCGGGAGAATACCATTATTTTTCACAAAATGAACTGCTACTTTTCGTCCTTT-3'
Protein context (NP_056265.2, residues 440-460): KNNGILPLSN[Glu450Lys]CLLLIEGGTL